The following is an entry in ClinVar:

NM_182961.4(SYNE1):c.21975_21976delinsAT (p.Asp7325_Gln7326delinsGluTer)

Gene: SYNE1 (spectrin repeat containing nuclear envelope protein 1; minus strand). Cytogenetic location: 6q25.2.
Variant type: Indel.
Coding change: c.21975_21976delinsAT on transcript NM_182961.4 (MANE Select); coding-DNA positions 21975 to 21976, TC replaced by AT.
Protein change: p.Asp7325_Gln7326delinsGluTer.
Molecular consequence: nonsense.
Genome position (GRCh38, 1-based): chr6:152,219,071-152,219,072, GA replaced by AT on the plus strand (TC replaced by AT on the coding strand, the reverse complement: SYNE1 is on the minus strand). VCF-style: chr6-152219071-GA-AT. GRCh37 (hg19) VCF-style: chr6-152540206-GA-AT.
Other names: c.21762_21763delinsAT, p.Asp7254_Gln7255delinsGluTer (NM_033071.5).
Identifiers: ClinVar variation 2684044 (VCV002684044.1), dbSNP rs2551496109, ClinGen allele CA2697553789.

ClinVar aggregate classification (germline): Pathogenic (1 of 4 stars; one submission).

Submission:

Athena Diagnostics
Classification: Pathogenic. Last evaluated: 2023-03-23. Review status: criteria provided, single submitter. Criteria: Athena Diagnostics Criteria. Collection method: clinical testing. Allele origin: unknown.
Comment: This variant is expected to result in the loss of a functional protein. This variant has not been reported in large, multi-ethnic general populations. This variant has been identified in at least one individual with spinocerebellar ataxia.